The following is an entry in ClinVar:

ClinVar aggregate classification (germline): Uncertain significance (1 of 4 stars; one submission).

gnomAD v4.1: 5 of 1,613,630 alleles (0.00031%); highest among the groups gnomAD compares: Admixed American, 0.0033%; no homozygotes.

Submission:

GeneDx
Classification: Uncertain significance. Last evaluated: 2022-06-06. Review status: criteria provided, single submitter. Criteria: GeneDx Variant Classification Process June 2021. Collection method: clinical testing. Allele origin: germline. Affected: yes.
Comment: In silico analysis supports that this missense variant has a deleterious effect on protein structure/function; Has not been previously published as pathogenic or benign to our knowledge

NM_001346249.2(RALGAPA1):c.6482A>G (p.Asp2161Gly)

Gene: RALGAPA1 (Ral GTPase activating protein catalytic subunit alpha 1; minus strand). Cytogenetic location: 14q13.2.
Variant type: single nucleotide variant.
Coding change: c.6482A>G on transcript NM_001346249.2 (MANE Select); coding-DNA position 6482, A replaced by G.
Protein change: p.Asp2161Gly; replaces aspartic acid 2161 with glycine.
Molecular consequence: missense variant.
Genome position (GRCh38, 1-based): chr14:35,627,465, T>C on the plus strand (A>G on the coding strand, the complement: RALGAPA1 is on the minus strand). VCF-style: chr14-35627465-T-C. GRCh37 (hg19) VCF-style: chr14-36096671-T-C.
Other names: c.5003A>G, p.Asp1668Gly (NM_001283043.3); c.5105A>G, p.Asp1702Gly (NM_001283044.3, NM_001346245.2, NM_001346247.2); c.6341A>G, p.Asp2114Gly (NM_001330075.3, NM_001346248.2); c.4964A>G, p.Asp1655Gly (NM_001346243.2, NM_001346246.2, NM_014990.3 and 1 more transcripts); short protein forms D1655G, D1668G, D1702G, D2114G, D2161G.
Identifiers: ClinVar variation 1803443 (VCV001803443.1), dbSNP rs1328958703, ClinGen allele CA389454220.